The following is an entry in ClinVar:

ClinVar aggregate classification (germline): Uncertain significance (1 of 4 stars; one submission).

Conditions:
Paroxysmal nonkinesigenic dyskinesia. Also called: Paroxysmal non-kinesigenic dyskinesia. Identifiers: Orphanet 98810, MedGen C1869117, MONDO:0700088.

Submission:

Labcorp Genetics (formerly Invitae), Labcorp
Classification: Uncertain significance for Paroxysmal nonkinesigenic dyskinesia. Last evaluated: 2023-07-27. Review status: criteria provided, single submitter. Criteria: Invitae Variant Classification Sherloc (09022015). Collection method: clinical testing. Allele origin: germline.
Comment: Experimental studies and prediction algorithms are not available or were not evaluated, and the functional significance of this variant is currently unknown. This variant, c.1013_1015del, results in the deletion of 1 amino acid(s) of the PNKD protein (p.Ser338del), but otherwise preserves the integrity of the reading frame. This variant is not present in population databases (gnomAD no frequency). This variant has not been reported in the literature in individuals affected with PNKD-related conditions. In summary, the available evidence is currently insufficient to determine the role of this variant in disease. Therefore, it has been classified as a Variant of Uncertain Significance.

NM_015488.5(PNKD):c.1013_1015del (p.Ser338del)

Genes: CATIP-AS2 (CATIP antisense RNA 2; minus strand), PNKD (PNKD metallo-beta-lactamase domain containing; plus strand). Cytogenetic location: 2q35.
Variant type: Deletion.
Coding change: c.1013_1015del on transcript NM_015488.5 (MANE Select); coding-DNA positions 1013 to 1015, 3 bases deleted (CCT; older notation c.1013_1015delCCT).
Protein change: p.Ser338del; deletes serine 338.
Molecular consequence: inframe deletion. On other transcripts: inframe indel (1).
Genome position (GRCh38, 1-based): chr2:218,344,836-218,344,838, CCT deleted; deleting any 3 consecutive bases within chr2:218,344,834-218,344,838 gives the same sequence; the c. name uses the placement nearest the transcript's 3' end. VCF-style (leftmost placement, unchanged base first): chr2-218344833-GCTC-G. GRCh37 (hg19) VCF-style: chr2-219209556-GCTC-G.
Other names: c.941_943delCCT, p.Ser314del (NM_022572.5); short protein forms S314del, S338del.
Identifiers: ClinVar variation 2903327 (VCV002903327.3), dbSNP rs2469474463, ClinGen allele CA2739279900.
Genomic context (GRCh38, chr2:218,344,833, plus strand): 5'-TTCTCTCCACCAAACCTGGTTCCTCTCACCCACAGTGCCCATCTACCCTGGGAGAGGAGC[GCTC>G]CTACAACCCGTTCCTGAGAACCCACTGCCTGGCGCTACAGGAGGCTCTGGGGCCGGGGCC-3'